The following is an entry in ClinVar:

NM_013275.6(ANKRD11):c.2804C>T (p.Ser935Leu)

Gene: ANKRD11 (ankyrin repeat domain 11; minus strand). Cytogenetic location: 16q24.3.
Variant type: single nucleotide variant.
Coding change: c.2804C>T on transcript NM_013275.6 (MANE Select); coding-DNA position 2804, C replaced by T.
Protein change: p.Ser935Leu; replaces serine 935 with leucine.
Molecular consequence: missense variant.
Genome position (GRCh38, 1-based): chr16:89,283,738, G>A on the plus strand (C>T on the coding strand, the complement: ANKRD11 is on the minus strand). VCF-style: chr16-89283738-G-A. GRCh37 (hg19) VCF-style: chr16-89350146-G-A.
Other names: c.2804C>T, p.Ser935Leu (NM_001256182.2, NM_001256183.2); c.2804C>T (NM_013275.4); short protein forms S935L.
Identifiers: ClinVar variation 2979400 (VCV002979400.4), dbSNP rs575811373, ClinGen allele CA8242508.

ClinVar aggregate classification (germline): Uncertain significance. Review status: criteria provided, multiple submitters, no conflicts (2 of 4 stars). 2 submissions from 2 submitters: Uncertain significance (2). Last evaluated 2026-07-03.

Conditions:
KBG syndrome (KBGS). Also called: ANKRD11-Related KBG Syndrome. Identifiers: Orphanet 2332, MedGen C0220687, MONDO:0007846, OMIM 148050.
Inborn genetic diseases. Identifiers: MedGen C0950123, MeSH D030342.

Allele frequency attached by ClinVar (database versions not stated): gnomAD exomes 0.00002; gnomAD 0.00003; 1000 Genomes Project 30x 0.00016; 1000 Genomes Project 0.00020; ExAC 0.00001; TOPMed 0.00002.
gnomAD v4.1: 36 of 1,613,342 alleles (0.0022%); highest among the groups gnomAD compares: South Asian, 0.0055%; no homozygotes.

Submissions (2):

Ambry Genetics
Classification: Uncertain significance for Inborn genetic diseases. Last evaluated: 2026-07-03. Review status: criteria provided, single submitter. Criteria: Ambry Variant Classification Scheme 2023. Collection method: clinical testing. Allele origin: germline.
Comment: The c.2804C>T (p.S935L) alteration is located in exon 9 (coding exon 7) of the ANKRD11 gene. This alteration results from a C to T substitution at nucleotide position 2804, causing the serine (S) at amino acid position 935 to be replaced by a leucine (L). Based on data from gnomAD, the T allele has an overall frequency of 0.002% (4/251196) total alleles studied. The highest observed frequency was 0.016% (1/6138) of Other alleles. Based on insufficient or conflicting evidence, the clinical significance of this alteration remains unclear.

Labcorp Genetics (formerly Invitae), Labcorp
Classification: Uncertain significance for KBG syndrome. Last evaluated: 2025-05-27. Review status: criteria provided, single submitter. Criteria: Invitae Variant Classification Sherloc (09022015). Collection method: clinical testing. Allele origin: germline.
Comment: This sequence change replaces serine, which is neutral and polar, with leucine, which is neutral and non-polar, at codon 935 of the ANKRD11 protein (p.Ser935Leu). This variant is present in population databases (rs575811373, gnomAD 0.006%). This variant has not been reported in the literature in individuals affected with ANKRD11-related conditions. ClinVar contains an entry for this variant (Variation ID: 2979400). Invitae Evidence Modeling of protein sequence and biophysical properties (such as structural, functional, and spatial information, amino acid conservation, physicochemical variation, residue mobility, and thermodynamic stability) indicates that this missense variant is not expected to disrupt ANKRD11 protein function with a negative predictive value of 95%. In summary, the available evidence is currently insufficient to determine the role of this variant in disease. Therefore, it has been classified as a Variant of Uncertain Significance.